The following is an entry in ClinVar:

NM_001367624.2(ZNF469):c.5809C>T (p.Pro1937Ser)

Gene: ZNF469 (zinc finger protein 469; plus strand). Cytogenetic location: 16q24.2.
Variant type: single nucleotide variant.
Coding change: c.5809C>T on transcript NM_001367624.2 (MANE Select); coding-DNA position 5809, C replaced by T.
Protein change: p.Pro1937Ser; replaces proline 1937 with serine.
Molecular consequence: missense variant.
Genome position (GRCh38, 1-based): chr16:88,433,279, C>T. VCF-style: chr16-88433279-C-T. GRCh37 (hg19) VCF-style: chr16-88499687-C-T.
Other names: NM_001127464.1:c.5725C>T; short protein forms P1937S.
Identifiers: ClinVar variation 3232831 (VCV003232831.1), dbSNP rs1906329870, ClinGen allele CA397102516.

ClinVar aggregate classification (germline): Uncertain significance (1 of 4 stars; one submission).

Conditions:
Cardiovascular phenotype. Identifiers: MedGen CN230736.

Allele frequency attached by ClinVar (database versions not stated): gnomAD 0.00001.
gnomAD v4.1: 1 of 1,550,250 alleles (0.000065%); highest among the groups gnomAD compares: African/African-American, 0.0014%; no homozygotes.

Submission:

Ambry Genetics
Classification: Uncertain significance for Cardiovascular phenotype. Last evaluated: 2024-01-29. Review status: criteria provided, single submitter. Criteria: Ambry Variant Classification Scheme 2023. Collection method: clinical testing. Allele origin: germline.
Comment: The p.P1909S variant (also known as c.5725C>T), located in coding exon 2 of the ZNF469 gene, results from a C to T substitution at nucleotide position 5725. The proline at codon 1909 is replaced by serine, an amino acid with similar properties. This amino acid position is conserved. In addition, this alteration is predicted to be tolerated by in silico analysis. Based on the available evidence, the clinical significance of this alteration remains unclear.